The following is an entry in ClinVar:

ClinVar aggregate classification (germline): Pathogenic (1 of 4 stars; one submission).

Conditions:
SCN1A-related disorder. Also called: SCN1A-related conditions; SCN1A-related condition; SCN1A-related disorders.

Submission:

Rady Children's Institute for Genomic Medicine, Rady Children's Hospital San Diego
Classification: Pathogenic for SCN1A-related disorders. Last evaluated: 2024-12-13. Review status: criteria provided, single submitter. Criteria: ACMG Guidelines, 2015. Collection method: clinical testing. Allele origin: germline. Affected: yes.
Comment: This nonsense variant found in exon 17 of 26 is predicted to result in loss of normal protein function through either protein truncation or nonsense-mediated mRNA decay. The SCN1A gene is constrained against variation (Z-score= 7.62 and pLI = 1), and loss-of-function variants are an established mechanism of disease (HGMD, ClinVar database; PMID: 20301494). This variant has not been previously reported or functionally characterized in the literature to our knowledge. The c.3517G>T (p.Glu1173Ter) variant is absent from the latest version of the gnomAD population database and thus is presumed to be rare. Based on parental analysis, this variant likely occurred as a de novo event. Based on the available evidence, c.3517G>T (p.Glu1173Ter) is classified as Pathogenic.

Literature cited by the submitters: PubMed 20301494.

NM_001165963.4(SCN1A):c.3517G>T (p.Glu1173Ter)

Genes: SCN1A (sodium voltage-gated channel alpha subunit 1; minus strand), LOC102724058 (uncharacterized LOC102724058; plus strand). Cytogenetic location: 2q24.3.
Variant type: single nucleotide variant.
Coding change: c.3517G>T on transcript NM_001165963.4 (MANE Select); coding-DNA position 3517, G replaced by T.
Protein change: p.Glu1173Ter; replaces glutamic acid 1173 with a stop codon.
Molecular consequence: nonsense. On other transcripts: non-coding transcript variant (2).
Genome position (GRCh38, 1-based): chr2:166,015,640, C>A on the plus strand (G>T on the coding strand, the complement: SCN1A is on the minus strand). VCF-style: chr2-166015640-C-A. GRCh37 (hg19) VCF-style: chr2-166872150-C-A.
Other names: c.3433G>T, p.Glu1145Ter (NM_001165964.3, NM_001353957.2, NM_001353958.2); c.3517G>T, p.Glu1173Ter (NM_001202435.3, NM_001353948.2); c.3484G>T, p.Glu1162Ter (NM_001353949.2, NM_001353950.2, NM_001353951.2 and 2 more transcripts); c.3481G>T, p.Glu1161Ter (NM_001353954.2, NM_001353955.2); c.3430G>T, p.Glu1144Ter (NM_001353960.2); c.1075G>T, p.Glu359Ter (NM_001353961.2); short protein forms E1144*, E1145*, E1161*, E1162*, E1173*, E359*.
Identifiers: ClinVar variation 4814194 (VCV004814194.1).